The following is an entry in ClinVar:

ClinVar aggregate classification (germline): Uncertain significance (1 of 4 stars; one submission).

Conditions:
Autosomal recessive ataxia, Beauce type. Also called: SYNE1 Deficiency; Spinocerebellar ataxia, autosomal recessive 8; ATAXIA, RECESSIVE, OF BEAUCE; SYNE1-Related Autosomal Recessive Cerebellar Ataxia. Identifiers: Orphanet 88644, MedGen C1853116, MONDO:0012549, OMIM 610743.
Emery-Dreifuss muscular dystrophy 4, autosomal dominant (EDMD4). Also called: EMERY-DREIFUSS MUSCULAR DYSTROPHY 4 WITH VARIABLE FEATURES. Identifiers: Orphanet 261, MedGen C2751807, MONDO:0013071, OMIM 612998.

gnomAD v4.1: 1 of 1,614,226 alleles (0.000062%); no homozygotes.

Submission:

Labcorp Genetics (formerly Invitae), Labcorp
Classification: Uncertain significance for Emery-Dreifuss muscular dystrophy 4, autosomal dominant; Autosomal recessive ataxia, Beauce type. Last evaluated: 2024-12-09. Review status: criteria provided, single submitter. Criteria: Invitae Variant Classification Sherloc (09022015). Collection method: clinical testing. Allele origin: germline.
Comment: This sequence change replaces glutamic acid, which is acidic and polar, with alanine, which is neutral and non-polar, at codon 6327 of the SYNE1 protein (p.Glu6327Ala). This variant is not present in population databases (gnomAD no frequency). This variant has not been reported in the literature in individuals affected with SYNE1-related conditions. ClinVar contains an entry for this variant (Variation ID: 2013586). An algorithm developed to predict the effect of missense changes on protein structure and function (PolyPhen-2) suggests that this variant is likely to be disruptive. In summary, the available evidence is currently insufficient to determine the role of this variant in disease. Therefore, it has been classified as a Variant of Uncertain Significance.

NM_182961.4(SYNE1):c.19193A>C (p.Glu6398Ala)

Gene: SYNE1 (spectrin repeat containing nuclear envelope protein 1; minus strand). Cytogenetic location: 6q25.2.
Variant type: single nucleotide variant.
Coding change: c.19193A>C on transcript NM_182961.4 (MANE Select); coding-DNA position 19193, A replaced by C.
Protein change: p.Glu6398Ala; replaces glutamic acid 6398 with alanine.
Molecular consequence: missense variant.
Genome position (GRCh38, 1-based): chr6:152,255,658, T>G on the plus strand (A>C on the coding strand, the complement: SYNE1 is on the minus strand). VCF-style: chr6-152255658-T-G. GRCh37 (hg19) VCF-style: chr6-152576793-T-G.
Other names: c.18980A>C, p.Glu6327Ala (NM_033071.5); short protein forms E6327A, E6398A.
Identifiers: ClinVar variation 2013586 (VCV002013586.3), dbSNP rs2551849132, ClinGen allele CA366136892.